The following is an entry in ClinVar:

NM_139058.3(ARX):c.195A>G (p.Gln65=)

Gene: ARX (aristaless related homeobox; minus strand). Cytogenetic location: Xp21.3.
Variant type: single nucleotide variant.
Coding change: c.195A>G on transcript NM_139058.3 (MANE Select); coding-DNA position 195, A replaced by G.
Protein change: p.Gln65=; no amino-acid change (glutamine 65 retained).
Molecular consequence: synonymous variant.
Genome position (GRCh38, 1-based): chrX:25,015,543, T>C on the plus strand (A>G on the coding strand, the complement: ARX is on the minus strand). VCF-style: chrX-25015543-T-C. GRCh37 (hg19) VCF-style: chrX-25033660-T-C.
Identifiers: ClinVar variation 2121860 (VCV002121860.4), dbSNP rs1390944438, ClinGen allele CA515749724.

ClinVar aggregate classification (germline): Uncertain significance (1 of 4 stars; one submission).

Conditions:
Developmental and epileptic encephalopathy, 1 (DEE1). Also called: INFANTILE SPASM SYNDROME, X-LINKED 1; Epileptic encephalopathy, early infantile, 1; X-linked infantile spasms; West's syndrome; Tonic spasms with clustering, arrest of psychomotor development and hypsarrhythmia on EEG; X-Linked Infantile Spasm Syndrome. Identifiers: MedGen C3463992, MONDO:0010632, OMIM 308350. Disease mechanism: loss of function.
Intellectual disability, X-linked, with or without seizures, ARX-related. Also called: MENTAL RETARDATION, X-LINKED 29; MENTAL RETARDATION, X-LINKED 32; MENTAL RETARDATION, X-LINKED 33; MENTAL RETARDATION, X-LINKED 38; MENTAL RETARDATION, X-LINKED 43; MENTAL RETARDATION, X-LINKED 76. Identifiers: Orphanet 777, MedGen C0796244, MONDO:0010317, OMIM 300419.

Submission:

Labcorp Genetics (formerly Invitae), Labcorp
Classification: Uncertain significance for Developmental and epileptic encephalopathy, 1; Intellectual disability, X-linked, with or without seizures, ARX-related. Last evaluated: 2025-02-09. Review status: criteria provided, single submitter. Criteria: Invitae Variant Classification Sherloc (09022015). Collection method: clinical testing. Allele origin: germline.
Comment: This sequence change affects codon 65 of the ARX mRNA. It is a 'silent' change, meaning that it does not change the encoded amino acid sequence of the ARX protein. It affects a nucleotide within the consensus splice site. The frequency data for this variant in the population databases is considered unreliable, as metrics indicate poor data quality at this position in the gnomAD database. This variant has not been reported in the literature in individuals affected with ARX-related conditions. ClinVar contains an entry for this variant (Variation ID: 2121860). Algorithms developed to predict the effect of sequence changes on RNA splicing suggest that this variant is not likely to affect RNA splicing. In summary, the available evidence is currently insufficient to determine the role of this variant in disease. Therefore, it has been classified as a Variant of Uncertain Significance.